The following is an entry in ClinVar:

ClinVar aggregate classification (germline): Likely benign. Review status: criteria provided, multiple submitters, no conflicts (2 of 4 stars). 2 submissions from 2 submitters: Likely benign (2). Last evaluated 2024-10-16.

Allele frequency attached by ClinVar (database versions not stated): gnomAD 0.00001; TOPMed 0.00003; gnomAD exomes 0.00006; ExAC 0.00007.
gnomAD v4.1: 89 of 1,613,710 alleles (0.0055%); highest among the groups gnomAD compares: South Asian, 0.012%; no homozygotes.

Submissions (2):

Labcorp Genetics (formerly Invitae), Labcorp
Classification: Likely benign. Last evaluated: 2024-10-16. Review status: criteria provided, single submitter. Criteria: Invitae Variant Classification Sherloc (09022015). Collection method: clinical testing. Allele origin: germline.

Laboratory for Molecular Medicine, Mass General Brigham Personalized Medicine
Classification: Likely benign. Last evaluated: 2015-07-15. Review status: criteria provided, single submitter. Criteria: LMM Criteria. Collection method: clinical testing. Allele origin: germline. Observed: 2 variant alleles.
Comment: Ala155Ala in exon 6 of MYO6: This variant is not expected to have clinical signi ficance because it does not alter an amino acid residue and is not located withi n the splice consensus sequence. It has been identified in 3/16492 South Asian a nd 4/66578 European chromosomes by the Exome Aggregation Consortium (ExAC; dbSNP rs200963569).

NM_004999.4(MYO6):c.465C>T (p.Ala155=)

Gene: MYO6 (myosin VI; plus strand). Cytogenetic location: 6q14.1.
Variant type: single nucleotide variant.
Coding change: c.465C>T on transcript NM_004999.4 (MANE Select); coding-DNA position 465, C replaced by T.
Protein change: p.Ala155=; no amino-acid change (alanine 155 retained).
Molecular consequence: synonymous variant. On other transcripts: non-coding transcript variant (2).
Genome position (GRCh38, 1-based): chr6:75,832,915, C>T. VCF-style: chr6-75832915-C-T. GRCh37 (hg19) VCF-style: chr6-76542632-C-T.
Other names: c.465C>T, p.Ala155= (NM_001300899.2, NM_001368136.1, NM_001368137.1 and 5 more transcripts).
Identifiers: ClinVar variation 164633 (VCV000164633.6), dbSNP rs200963569, ClinGen allele CA177352.
Genomic context (GRCh38, chr6:75,832,915, plus strand): 5'-TCGAGACATGAAGGTGCTCAAGATGAGTCAGTCTATCATTGTATCTGGAGAATCAGGAGC[C>T]GGCAAAACAGAAAATACAAAATTTGTTCTAAGGTGAGTATTCAGCTAACTTGAAGTATTT-3'
Protein context (NP_004990.3, residues 145-165): QSIIVSGESG[Ala155=]GKTENTKFVL